The following is an entry in ClinVar:

NM_002979.5(SCP2):c.1250A>C (p.His417Pro)

Gene: SCP2 (sterol carrier protein 2; plus strand). Cytogenetic location: 1p32.3.
Variant type: single nucleotide variant.
Coding change: c.1250A>C on transcript NM_002979.5 (MANE Select); coding-DNA position 1250, A replaced by C.
Protein change: p.His417Pro; replaces histidine 417 with proline.
Molecular consequence: missense variant.
Genome position (GRCh38, 1-based): chr1:53,027,983, A>C. VCF-style: chr1-53027983-A-C. GRCh37 (hg19) VCF-style: chr1-53493655-A-C.
Other names: c.38A>C, p.His13Pro (NM_001007099.3, NM_001007250.3); c.29A>C, p.His10Pro (NM_001007100.3); c.1178A>C, p.His393Pro (NM_001193599.2); c.1118A>C, p.His373Pro (NM_001193600.2); c.1007A>C, p.His336Pro (NM_001193617.2); short protein forms H10P, H336P, H373P, H417P, H393P, H13P.
Identifiers: ClinVar variation 1401330 (VCV001401330.8), dbSNP rs2150246004, ClinGen allele CA340377399.

ClinVar aggregate classification (germline): Uncertain significance (1 of 4 stars; one submission).

Submission:

Labcorp Genetics (formerly Invitae), Labcorp
Classification: Uncertain significance. Last evaluated: 2021-01-17. Review status: criteria provided, single submitter. Criteria: Invitae Variant Classification Sherloc (09022015). Collection method: clinical testing. Allele origin: germline.
Comment: This variant has not been reported in the literature in individuals with SCP2-related conditions. This variant is not present in population databases (ExAC no frequency). This sequence change replaces histidine with proline at codon 417 of the SCP2 protein (p.His417Pro). The histidine residue is weakly conserved and there is a moderate physicochemical difference between histidine and proline. Algorithms developed to predict the effect of missense changes on protein structure and function (SIFT, PolyPhen-2, Align-GVGD) all suggest that this variant is likely to be tolerated, but these predictions have not been confirmed by published functional studies and their clinical significance is uncertain. In summary, the available evidence is currently insufficient to determine the role of this variant in disease. Therefore, it has been classified as a Variant of Uncertain Significance.